The following is an entry in ClinVar:

NM_000153.4(GALC):c.824A>G (p.Asp275Gly)

Gene: GALC (galactosylceramidase; minus strand). Cytogenetic location: 14q31.3.
Variant type: single nucleotide variant.
Coding change: c.824A>G on transcript NM_000153.4 (MANE Select); coding-DNA position 824, A replaced by G.
Protein change: p.Asp275Gly; replaces aspartic acid 275 with glycine.
Molecular consequence: missense variant.
Genome position (GRCh38, 1-based): chr14:87,968,419, T>C on the plus strand (A>G on the coding strand, the complement: GALC is on the minus strand). VCF-style: chr14-87968419-T-C. GRCh37 (hg19) VCF-style: chr14-88434763-T-C.
Other names: c.755A>G, p.Asp252Gly (NM_001201401.2); c.746A>G, p.Asp249Gly (NM_001201402.2); short protein forms D249G, D252G, D275G.
Identifiers: ClinVar variation 2577231 (VCV002577231.1), dbSNP rs1886145706, ClinGen allele CA390747987.
Genomic context (GRCh38, chr14:87,968,419, plus strand): 5'-TTCTGATTTAAAATGCGACCCCAGCAGCCTGCACCCATGTCACTATTTAAAGTGCTAAAG[T>C]CTTCAGAAGACCAAAGCTTCTTCCCAGTCAACTTTGCATCTTTTGCTGAATGGGTTCCAG-3'
Protein context (NP_000144.2, residues 265-285): LTGKKLWSSE[Asp275Gly]FSTLNSDMGA

ClinVar aggregate classification (germline): Likely pathogenic (1 of 4 stars; one submission).

Conditions:
Galactosylceramide beta-galactosidase deficiency. Also called: GALACTOCEREBROSIDASE DEFICIENCY; GALC DEFICIENCY; GLOBOID CELL LEUKOENCEPHALOPATHY; Krabbe Disease; Leukodystrophy, Globoid Cell. Identifiers: Orphanet 487, MedGen C0023521, MONDO:0009499, OMIM 245200.

Submission:

Women's Health and Genetics/Laboratory Corporation of America, LabCorp
Classification: Likely pathogenic for Galactosylceramide beta-galactosidase deficiency. Last evaluated: 2023-07-20. Review status: criteria provided, single submitter. Criteria: LabCorp Variant Classification Summary - May 2015. Collection method: clinical testing. Allele origin: germline.
Comment: Variant summary: GALC c.824A>G (p.Asp275Gly) results in a non-conservative amino acid change in the encoded protein sequence. Five of five in-silico tools predict a damaging effect of the variant on protein function. The variant was absent in 249264 control chromosomes. c.824A>G has been reported in the literature in at least one individual with low GALC daily mean activity (DMA) identified via newborn screening, however, this report does not provide unequivocal conclusions about association of the variant with Krabbe Disease (e.g, Orsini_2016). At least one publication reports experimental evidence evaluating an impact on protein function. COS1 cells transfected with variant GALC cDNA demonstrated reduced activity when compared to WT cells (<1 nmol/hr/mg protein vs. 24.5 nmol/hr/mg protein), indicating the variant results in approximately 4% of WT activity (Saavedra-Martiz_2016). The following publications have been ascertained in the context of this evaluation (PMID: 27638593, 26795590). No submitters have cited clinical-significance assessments for this variant to ClinVar after 2014. Based on the evidence outlined above, the variant was classified as likely pathogenic.

Literature cited by the submitters: PubMed 26795590; PubMed 27638593.